The following is an entry in ClinVar:

ClinVar aggregate classification (germline): Uncertain significance. Review status: criteria provided, multiple submitters, no conflicts (2 of 4 stars). 3 submissions from 3 submitters: Uncertain significance (3). Last evaluated 2025-03-25.

Conditions:
Cardiovascular phenotype. Identifiers: MedGen CN230736.
Brugada syndrome. Also called: Sudden unexpected nocturnal death syndrome; Sudden Unexplained Death Syndrome; Sudden Unexplained Nocturnal Death Syndrome (SUNDS); Sudden unexplained nocturnal death syndrome. Identifiers: Orphanet 130, MedGen C1142166, MONDO:0015263.

Allele frequency attached by ClinVar (database versions not stated): ExAC 0.00002.
gnomAD v4.1: 16 of 1,613,544 alleles (0.00099%); highest among the groups gnomAD compares: African/African-American, 0.0027%; no homozygotes.

Submissions (3):

Ambry Genetics
Classification: Uncertain significance for Cardiovascular phenotype. Last evaluated: 2025-03-25. Review status: criteria provided, single submitter. Criteria: Ambry Variant Classification Scheme 2023. Collection method: clinical testing. Allele origin: germline.
Comment: The p.R1263L variant (also known as c.3788G>T), located in coding exon 21 of the SCN10A gene, results from a G to T substitution at nucleotide position 3788. The arginine at codon 1263 is replaced by leucine, an amino acid with dissimilar properties. This amino acid position is highly conserved in available vertebrate species. In addition, this alteration is predicted to be deleterious by in silico analysis. Since supporting evidence is limited at this time, the clinical significance of this alteration remains unclear.

Labcorp Genetics (formerly Invitae), Labcorp
Classification: Uncertain significance for Brugada syndrome. Last evaluated: 2025-01-23. Review status: criteria provided, single submitter. Criteria: Invitae Variant Classification Sherloc (09022015). Collection method: clinical testing. Allele origin: germline.
Comment: This sequence change replaces arginine, which is basic and polar, with leucine, which is neutral and non-polar, at codon 1263 of the SCN10A protein (p.Arg1263Leu). This variant is present in population databases (rs754277304, gnomAD 0.007%). This variant has not been reported in the literature in individuals affected with SCN10A-related conditions. ClinVar contains an entry for this variant (Variation ID: 1734902). Invitae Evidence Modeling of protein sequence and biophysical properties (such as structural, functional, and spatial information, amino acid conservation, physicochemical variation, residue mobility, and thermodynamic stability) indicates that this missense variant is expected to disrupt SCN10A protein function with a positive predictive value of 80%. In summary, the available evidence is currently insufficient to determine the role of this variant in disease. Therefore, it has been classified as a Variant of Uncertain Significance.

Blueprint Genetics
Classification: Uncertain significance. Last evaluated: 2023-12-29. Review status: criteria provided, single submitter. Criteria: ACMG Guidelines, 2015. Collection method: clinical testing. Allele origin: germline.

NM_006514.4(SCN10A):c.3788G>T (p.Arg1263Leu)

Gene: SCN10A (sodium voltage-gated channel alpha subunit 10; minus strand). Cytogenetic location: 3p22.2.
Variant type: single nucleotide variant.
Coding change: c.3788G>T on transcript NM_006514.4 (MANE Select); coding-DNA position 3788, G replaced by T.
Protein change: p.Arg1263Leu; replaces arginine 1263 with leucine.
Molecular consequence: missense variant.
Genome position (GRCh38, 1-based): chr3:38,713,974, C>A on the plus strand (G>T on the coding strand, the complement: SCN10A is on the minus strand). VCF-style: chr3-38713974-C-A. GRCh37 (hg19) VCF-style: chr3-38755465-C-A.
Other names: c.3785G>T, p.Arg1262Leu (NM_001293306.2); c.3494G>T, p.Arg1165Leu (NM_001293307.2); short protein forms R1262L, R1165L, R1263L.
Identifiers: ClinVar variation 1734902 (VCV001734902.7), dbSNP rs754277304, ClinGen allele CA2320120.